The following is an entry in ClinVar:

NM_000937.5(POLR2A):c.633G>A (p.Glu211=)

Gene: POLR2A (RNA polymerase II subunit A; plus strand). Cytogenetic location: 17p13.1.
Variant type: single nucleotide variant.
Coding change: c.633G>A on transcript NM_000937.5 (MANE Select); coding-DNA position 633, G replaced by A.
Protein change: p.Glu211=; no amino-acid change (glutamic acid 211 retained).
Molecular consequence: synonymous variant.
Genome position (GRCh38, 1-based): chr17:7,496,859, G>A. VCF-style: chr17-7496859-G-A. GRCh37 (hg19) VCF-style: chr17-7400178-G-A.
Identifiers: ClinVar variation 3898559 (VCV003898559.7).

ClinVar aggregate classification (germline): Likely benign (1 of 4 stars; one submission).

Submission:

CeGaT Center for Human Genetics Tuebingen
Classification: Likely benign. Last evaluated: 2025-04-01. Review status: criteria provided, single submitter. Criteria: CeGaT Center For Human Genetics Tuebingen Variant Classification Criteria Version 2. Collection method: clinical testing. Allele origin: germline. Affected: yes. Observed: 1 variant allele.
Comment: POLR2A: BP4, BP7